The following is an entry in ClinVar:

NM_004168.4(SDHA):c.1909-19A>G

Gene: SDHA (succinate dehydrogenase complex flavoprotein subunit A; plus strand). Cytogenetic location: 5p15.33.
Variant type: single nucleotide variant.
Coding change: c.1909-19A>G on transcript NM_004168.4 (MANE Select); 19 bases into the intron before coding-DNA position 1909, A replaced by G.
Molecular consequence: intron variant.
Genome position (GRCh38, 1-based): chr5:256,315, A>G. VCF-style: chr5-256315-A-G. GRCh37 (hg19) VCF-style: chr5-256430-A-G.
Other names: c.1666-19A>G (NM_001330758.2); c.1765-19A>G (NM_001294332.2).
Identifiers: ClinVar variation 3749045 (VCV003749045.3).

ClinVar aggregate classification (germline): Likely benign. Review status: criteria provided, multiple submitters, no conflicts (2 of 4 stars). 2 submissions from 2 submitters: Likely benign (2). Last evaluated 2025-03-11.

Conditions:
Pheochromocytoma/paraganglioma syndrome 5. Also called: Paragangliomas 5; SDHA-Related Hereditary Paraganglioma-Pheochromocytoma Syndrome. Identifiers: Orphanet 29072, MedGen C3279992, MONDO:0013602, OMIM 614165.
Mitochondrial complex II deficiency, nuclear type 1. Also called: SUCCINATE CoQ REDUCTASE DEFICIENCY. Identifiers: Orphanet 3208, MedGen C5700310, MONDO:0100294, OMIM 252011.

Submissions (2):

Myriad Genetics, Inc.
Classification: Likely benign for Pheochromocytoma/paraganglioma syndrome 5. Last evaluated: 2025-03-11. Review status: criteria provided, single submitter. Criteria: Myriad Autosomal Dominant, Autosomal Recessive and X-Linked Classification Criteria (2023). Collection method: clinical testing. Allele origin: unknown.
Comment: This variant is considered likely benign. This variant is intronic and is not expected to impact mRNA splicing.

Labcorp Genetics (formerly Invitae), Labcorp
Classification: Likely benign for Pheochromocytoma/paraganglioma syndrome 5; Mitochondrial complex II deficiency, nuclear type 1. Last evaluated: 2025-01-12. Review status: criteria provided, single submitter. Criteria: Invitae Variant Classification Sherloc (09022015). Collection method: clinical testing. Allele origin: germline.